The following is an entry in ClinVar:

NM_006623.4(PHGDH):c.1437_1440del (p.Pro479_Thr480insTer)

Gene: PHGDH (phosphoglycerate dehydrogenase; plus strand). Cytogenetic location: 1p12.
Variant type: Deletion.
Coding change: c.1437_1440del on transcript NM_006623.4 (MANE Select); coding-DNA positions 1437 to 1440, 4 bases deleted (TACC; older notation c.1437_1440delTACC).
Protein change: p.Pro479_Thr480insTer.
Molecular consequence: frameshift variant.
Genome position (GRCh38, 1-based): chr1:119,743,034-119,743,037, TACC deleted; deleting any 4 consecutive bases within chr1:119,743,032-119,743,037 gives the same sequence; the c. name uses the placement nearest the transcript's 3' end. VCF-style (leftmost placement, unchanged base first): chr1-119743031-GCCTA-G. GRCh37 (hg19) VCF-style: chr1-120285654-GCCTA-G.
Identifiers: ClinVar variation 1067793 (VCV001067793.9), dbSNP rs2101225889, ClinGen allele CA2499214140.

ClinVar aggregate classification (germline): Likely pathogenic (1 of 4 stars; one submission).

Conditions:
PHGDH deficiency. Identifiers: Orphanet 79351, MedGen C1866174, MONDO:0011152, OMIM 601815.

Submission:

Labcorp Genetics (formerly Invitae), Labcorp
Classification: Likely pathogenic for PHGDH deficiency. Last evaluated: 2020-10-26. Review status: criteria provided, single submitter. Criteria: Invitae Variant Classification Sherloc (09022015). Collection method: clinical testing. Allele origin: germline.
Comment: This variant is not present in population databases (ExAC no frequency). In summary, the currently available evidence indicates that the variant is pathogenic, but additional data are needed to prove that conclusively. Therefore, this variant has been classified as Likely Pathogenic. This variant disrupts the p.Val490 amino acid residue in PHGDH. Other variant(s) that disrupt this residue have been determined to be pathogenic (PMID: 11055895, 11751922). This suggests that this residue is clinically significant, and that variants that disrupt this residue are likely to be disease-causing. This variant has not been reported in the literature in individuals with PHGDH-related conditions. This sequence change creates a premature translational stop signal (p.Thr480*) in the PHGDH gene. While this is not anticipated to result in nonsense mediated decay, it is expected to disrupt the last 54 amino acid(s) of the PHGDH protein.

Literature cited by the submitters: PubMed 11055895; PubMed 11751922.